The following is an entry in ClinVar:

ClinVar aggregate classification (germline): Likely pathogenic. Review status: criteria provided, single submitter (1 of 4 stars). 2 submissions from 2 submitters: Likely pathogenic (1). 1 of the submissions does not count toward it. Last evaluated 2025-11-05.

Conditions:
Charcot-Marie-Tooth disease. Also called: Charcot-Marie-Tooth Hereditary Neuropathy; Charcot-Marie-Tooth Neuropathy. Identifiers: Orphanet 166, MedGen C0007959, MONDO:0015626.
Charcot-Marie-Tooth Neuropathy X. Identifiers: MedGen CN118851.

Submissions (2):

Labcorp Genetics (formerly Invitae), Labcorp
Classification: Likely pathogenic for Charcot-Marie-Tooth Neuropathy X. Last evaluated: 2025-11-05. Review status: criteria provided, single submitter. Criteria: Invitae Variant Classification Sherloc (09022015). Collection method: clinical testing. Allele origin: germline.
Comment: This sequence change replaces serine, which is neutral and polar, with phenylalanine, which is neutral and non-polar, at codon 85 of the GJB1 protein (p.Ser85Phe). This variant is not present in population databases (gnomAD no frequency). This missense change has been observed in individual(s) with Charcot-Marie-Tooth disease (PMID: 9361298). ClinVar contains an entry for this variant (Variation ID: 637136). Invitae Evidence Modeling of protein sequence and biophysical properties (such as structural, functional, and spatial information, amino acid conservation, physicochemical variation, residue mobility, and thermodynamic stability) indicates that this missense variant is expected to disrupt GJB1 protein function with a positive predictive value of 95%. This variant disrupts the p.Ser85 amino acid residue in GJB1. Other variant(s) that disrupt this residue have been determined to be pathogenic (external communication). This suggests that this residue is clinically significant, and that variants that disrupt this residue are likely to be disease-causing. In summary, the currently available evidence indicates that the variant is pathogenic, but additional data are needed to prove that conclusively. Therefore, this variant has been classified as Likely Pathogenic.

Inherited Neuropathy Consortium
Classification: Uncertain significance for Charcot-Marie-Tooth disease. Review status: no assertion criteria provided. Collection method: literature only. Allele origin: germline. Affected: yes. Not counted in ClinVar's aggregate classification.

Literature cited by the submitters: PubMed 9361298 (cited by Labcorp Genetics (formerly Invitae), Labcorp and Inherited Neuropathy Consortium).

NM_000166.6(GJB1):c.254C>T (p.Ser85Phe)

Gene: GJB1 (gap junction protein beta 1; plus strand). Cytogenetic location: Xq13.1.
Variant type: single nucleotide variant.
Coding change: c.254C>T on transcript NM_000166.6 (MANE Select); coding-DNA position 254, C replaced by T.
Protein change: p.Ser85Phe; replaces serine 85 with phenylalanine.
Molecular consequence: missense variant.
Genome position (GRCh38, 1-based): chrX:71,223,961, C>T. VCF-style: chrX-71223961-C-T. GRCh37 (hg19) VCF-style: chrX-70443811-C-T.
Other names: c.254C>T, p.Ser85Phe (NM_001097642.3); short protein forms S85F.
Identifiers: ClinVar variation 637136 (VCV000637136.2), dbSNP rs104894823, ClinGen allele CA413501671.